The following is an entry in ClinVar:

ClinVar aggregate classification (germline): Uncertain significance (1 of 4 stars; one submission).

Conditions:
Biotin-responsive basal ganglia disease (BTBGD). Also called: Thiamine Transporter-2 Deficiency; Thiamine metabolism dysfunction syndrome 2 (biotin- or thiamine-responsive encephalopathy type 2); thiamine-responsive encephalopathy; Thiamine metabolism dysfunction syndrome type 2; THIAMINE METABOLISM DYSFUNCTION SYNDROME 2 (BIOTIN- AND THIAMINE-RESPONSIVE TYPE). Identifiers: Orphanet 199348, Orphanet 65284, MedGen C1843807, MONDO:0011841, OMIM 607483.

Submission:

Myriad Genetics, Inc.
Classification: Uncertain significance for Biotin-responsive basal ganglia disease. Last evaluated: 2026-02-05. Review status: criteria provided, single submitter. Criteria: Myriad Autosomal Dominant, Autosomal Recessive and X-Linked Classification Criteria (2023). Collection method: clinical testing. Allele origin: unknown.
Comment: NM_025243.3(SLC19A3):c.44C>G(P15R) is a missense variant classified as a variant of uncertain significance in the context of biotin-thiamine-responsive basal ganglia disease. P15R has not been observed in cases with relevant disease. Relevant functional assessments of this variant are not available in the literature. P15R has not been observed in referenced population frequency databases. In summary, there is insufficient evidence to classify NM_025243.3(SLC19A3):c.44C>G(P15R) as pathogenic or benign. Please note: this variant was assessed in the context of healthy population screening.

NM_025243.4(SLC19A3):c.44C>G (p.Pro15Arg)

Gene: SLC19A3 (solute carrier family 19 member 3; minus strand). Cytogenetic location: 2q36.3.
Variant type: single nucleotide variant.
Coding change: c.44C>G on transcript NM_025243.4 (MANE Select); coding-DNA position 44, C replaced by G.
Protein change: p.Pro15Arg; replaces proline 15 with arginine.
Molecular consequence: missense variant. On other transcripts: 5 prime UTR variant (2).
Genome position (GRCh38, 1-based): chr2:227,702,275, G>C on the plus strand (C>G on the coding strand, the complement: SLC19A3 is on the minus strand). VCF-style: chr2-227702275-G-C. GRCh37 (hg19) VCF-style: chr2-228566991-G-C.
Other names: c.44C>G, p.Pro15Arg (NM_001371411.1, NM_001371412.1); c.-165C>G (NM_001371413.1, NM_001371414.1); short protein forms P15R.
Identifiers: ClinVar variation 5004453 (VCV005004453.1).